The following is an entry in ClinVar:

NM_001046.3(SLC12A2):c.864C>G (p.Ile288Met)

Gene: SLC12A2 (solute carrier family 12 member 2; plus strand). Cytogenetic location: 5q23.3.
Variant type: single nucleotide variant.
Coding change: c.864C>G on transcript NM_001046.3 (MANE Select); coding-DNA position 864, C replaced by G.
Protein change: p.Ile288Met; replaces isoleucine 288 with methionine.
Molecular consequence: missense variant. On other transcripts: non-coding transcript variant (1).
Genome position (GRCh38, 1-based): chr5:128,112,921, C>G. VCF-style: chr5-128112921-C-G. GRCh37 (hg19) VCF-style: chr5-127448613-C-G.
Other names: c.864C>G, p.Ile288Met (NM_001256461.2); short protein forms I288M.
Identifiers: ClinVar variation 4687256 (VCV004687256.1).
Genomic context (GRCh38, chr5:128,112,921, plus strand): 5'-CAGAGATGCTGTGGTCACGTATACTGCAGAAAGTAAAGGAGTCGTGAAGTTTGGCTGGAT[C>G]AAGGGTGTATTAGTATGTATATATAGACTTAATTTTATAGTTACAGCATATCTGTTGGTT-3'
Protein context (NP_001037.1, residues 278-298): ESKGVVKFGW[Ile288Met]KGVLVRCMLN

ClinVar aggregate classification (germline): Uncertain significance (1 of 4 stars; one submission).

Submission:

Women's Health and Genetics/Laboratory Corporation of America, LabCorp
Classification: Uncertain significance. Last evaluated: 2025-10-30. Review status: criteria provided, single submitter. Criteria: LabCorp Variant Classification Summary - May 2015. Collection method: clinical testing. Allele origin: germline.
Comment: Variant summary: SLC12A2 c.864C>G (p.Ile288Met) results in a conservative amino acid change in the encoded protein sequence. Algorithms developed to predict the effect of missense changes on protein structure and function are either unavailable or do not agree on the potential impact of this missense change. The variant was absent in 249278 control chromosomes. The available data on variant occurrences in the general population are insufficient to allow any conclusion about variant significance. To our knowledge, no occurrence of c.864C>G in individuals affected with SLC12A2-related conditions and no experimental evidence demonstrating its impact on protein function have been reported. No submitters have cited clinical-significance assessments for this variant to ClinVar. Based on the evidence outlined above, the variant was classified as uncertain significance.